The following is an entry in ClinVar:

ClinVar aggregate classification (germline): Uncertain significance (1 of 4 stars; one submission).

gnomAD v4.1: 2 of 1,598,020 alleles (0.00013%); highest among the groups gnomAD compares: Non-Finnish European, 0.000086%; no homozygotes.

Submission:

Ambry Genetics
Classification: Uncertain significance. Last evaluated: 2025-05-24. Review status: criteria provided, single submitter. Criteria: Ambry Variant Classification Scheme 2023. Collection method: clinical testing. Allele origin: germline.
Comment: The p.I253M variant (also known as c.759C>G), located in coding exon 8 of the RASA2 gene, results from a C to G substitution at nucleotide position 759. The isoleucine at codon 253 is replaced by methionine, an amino acid with highly similar properties. This amino acid position is conserved. In addition, this alteration is predicted to be tolerated by in silico analysis. Based on the available evidence, the clinical significance of this variant remains unclear.

NM_006506.5(RASA2):c.759C>G (p.Ile253Met)

Gene: RASA2 (RAS p21 protein activator 2; plus strand). Cytogenetic location: 3q23.
Variant type: single nucleotide variant.
Coding change: c.759C>G on transcript NM_006506.5 (MANE Select); coding-DNA position 759, C replaced by G.
Protein change: p.Ile253Met; replaces isoleucine 253 with methionine.
Molecular consequence: missense variant.
Genome position (GRCh38, 1-based): chr3:141,558,960, C>G. VCF-style: chr3-141558960-C-G. GRCh37 (hg19) VCF-style: chr3-141277802-C-G.
Other names: c.759C>G, p.Ile253Met (NM_001303245.3, NM_001303246.3); short protein forms I253M.
Identifiers: ClinVar variation 3943009 (VCV003943009.1).